The following is an entry in ClinVar:

NM_000553.6(WRN):c.1547C>G (p.Ala516Gly)

Gene: WRN (WRN RecQ like helicase; plus strand). Cytogenetic location: 8p12.
Variant type: single nucleotide variant.
Coding change: c.1547C>G on transcript NM_000553.6 (MANE Select); coding-DNA position 1547, C replaced by G.
Protein change: p.Ala516Gly; replaces alanine 516 with glycine.
Molecular consequence: missense variant.
Genome position (GRCh38, 1-based): chr8:31,087,891, C>G. VCF-style: chr8-31087891-C-G. GRCh37 (hg19) VCF-style: chr8-30945407-C-G.
Other names: short protein forms A516G.
Identifiers: ClinVar variation 663900 (VCV000663900.4), dbSNP rs1585436958, ClinGen allele CA370924816.

ClinVar aggregate classification (germline): Uncertain significance (1 of 4 stars; one submission).

Conditions:
Werner syndrome (WRN). Identifiers: Orphanet 902, MedGen C0043119, MONDO:0010196, OMIM 277700.

Submission:

Labcorp Genetics (formerly Invitae), Labcorp
Classification: Uncertain significance for Werner syndrome. Last evaluated: 2018-09-20. Review status: criteria provided, single submitter. Criteria: Invitae Variant Classification Sherloc (09022015). Collection method: clinical testing. Allele origin: germline.
Comment: This sequence change replaces alanine with glycine at codon 516 of the WRN protein (p.Ala516Gly). The alanine residue is weakly conserved and there is a small physicochemical difference between alanine and glycine. This variant is not present in population databases (ExAC no frequency). This variant has not been reported in the literature in individuals with WRN-related disease. Algorithms developed to predict the effect of missense changes on protein structure and function (SIFT, PolyPhen-2, Align-GVGD) all suggest that this variant is likely to be tolerated, but these predictions have not been confirmed by published functional studies and their clinical significance is uncertain. Algorithms developed to predict the effect of sequence changes on RNA splicing suggest that this variant may create or strengthen a splice site, but this prediction has not been confirmed by published transcriptional studies. In summary, the available evidence is currently insufficient to determine the role of this variant in disease. Therefore, it has been classified as a Variant of Uncertain Significance.